The following is an entry in ClinVar:

ClinVar aggregate classification (germline): Likely benign. Review status: criteria provided, single submitter (1 of 4 stars). 2 submissions from 2 submitters: Likely benign (1). 1 of the submissions does not count toward it. Last evaluated 2023-11-27.

Conditions:
MYO18B-related disorder. Also called: MYO18B-related condition.

Allele frequency attached by ClinVar (database versions not stated): gnomAD 0.00001; TOPMed 0.00002; gnomAD exomes 0.00003; ExAC 0.00004.
gnomAD v4.1: 51 of 1,613,426 alleles (0.0032%); highest among the groups gnomAD compares: South Asian, 0.029%; no homozygotes.

Submissions (2):

Labcorp Genetics (formerly Invitae), Labcorp
Classification: Likely benign. Last evaluated: 2023-11-27. Review status: criteria provided, single submitter. Criteria: Invitae Variant Classification Sherloc (09022015). Collection method: clinical testing. Allele origin: germline.

PreventionGenetics, part of Exact Sciences
Classification: Likely benign for MYO18B-related condition. Last evaluated: 2019-06-19. Review status: no assertion criteria provided. Collection method: clinical testing. Allele origin: germline. Not counted in ClinVar's aggregate classification.
Comment: This variant is classified as likely benign based on ACMG/AMP sequence variant interpretation guidelines (Richards et al. 2015 PMID: 25741868, with internal and published modifications).

NM_032608.7(MYO18B):c.6753G>A (p.Ser2251=)

Gene: MYO18B (myosin XVIIIB; plus strand). Cytogenetic location: 22q12.1.
Variant type: single nucleotide variant.
Coding change: c.6753G>A on transcript NM_032608.7 (MANE Select); coding-DNA position 6753, G replaced by A.
Protein change: p.Ser2251=; no amino-acid change (serine 2251 retained).
Molecular consequence: synonymous variant.
Genome position (GRCh38, 1-based): chr22:26,026,727, G>A. VCF-style: chr22-26026727-G-A. GRCh37 (hg19) VCF-style: chr22-26422693-G-A.
Other names: c.6756G>A, p.Ser2252= (NM_001318245.2); c.6753G>A (NM_032608.6).
Identifiers: ClinVar variation 2158654 (VCV002158654.6), dbSNP rs751962940, ClinGen allele CA10161606.
Genomic context (GRCh38, chr22:26,026,727, plus strand): 5'-GAGTACAAATACATCCCCGCTGTCGAGGGAAAAGCTGCCCAGTCCTTCAGCGGCCCTCTC[G>A]GAGTTCGTGGAAGGGCTCCGGAGGAAGAGAGCCCAGAGAGGCCAGGGGTCCACGCTGGGC-3'
Protein context (NP_115997.5, residues 2241-2261): EKLPSPSAAL[Ser2251=]EFVEGLRRKR